The following is an entry in ClinVar:

NM_000465.4(BARD1):c.1672T>C (p.Ser558Pro)

Gene: BARD1 (BRCA1 associated RING domain 1; minus strand). Cytogenetic location: 2q35.
Variant type: single nucleotide variant.
Coding change: c.1672T>C on transcript NM_000465.4 (MANE Select); coding-DNA position 1672, T replaced by C.
Protein change: p.Ser558Pro; replaces serine 558 with proline.
Molecular consequence: missense variant. On other transcripts: non-coding transcript variant (3), intron variant (1).
Genome position (GRCh38, 1-based): chr2:214,752,452, A>G on the plus strand (T>C on the coding strand, the complement: BARD1 is on the minus strand). VCF-style: chr2-214752452-A-G. GRCh37 (hg19) VCF-style: chr2-215617176-A-G.
Other names: c.1615T>C, p.Ser539Pro (NM_001282543.2); c.319T>C, p.Ser107Pro (NM_001282545.2); c.262T>C, p.Ser88Pro (NM_001282548.2); c.365-21944T>C (NM_001282549.2); short protein forms S558P, S107P, S539P, S88P.
Identifiers: ClinVar variation 141935 (VCV000141935.28), dbSNP rs587782122, ClinGen allele CA166839.

ClinVar aggregate classification (germline): Uncertain significance. Review status: criteria provided, multiple submitters, no conflicts (2 of 4 stars). 6 submissions from 6 submitters: Uncertain significance (6). Last evaluated 2026-01-25.

Conditions:
Hereditary cancer-predisposing syndrome. Also called: Neoplastic Syndromes, Hereditary; Tumor predisposition; Hereditary Cancer Syndrome; Hereditary neoplastic syndrome. Identifiers: Orphanet 140162, MedGen C0027672, MeSH D009386, MONDO:0015356.
Familial cancer of breast. Also called: BREAST CANCER, FAMILIAL; Hereditary breast cancer; hereditary breast carcinoma. Identifiers: Orphanet 227535, MedGen C0346153, MONDO:0016419, OMIM 114480. Disease mechanism: loss of function.

Allele frequency attached by ClinVar (database versions not stated): gnomAD 0.00001; TOPMed 0.00001; ExAC 0.00005.
gnomAD v4.1: 11 of 1,605,888 alleles (0.00068%); highest among the groups gnomAD compares: Non-Finnish European, 0.00085%; no homozygotes.

Submissions (6):

Labcorp Genetics (formerly Invitae), Labcorp
Classification: Uncertain significance for Familial cancer of breast. Last evaluated: 2026-01-25. Review status: criteria provided, single submitter. Criteria: Invitae Variant Classification Sherloc (09022015). Collection method: clinical testing. Allele origin: germline.
Comment: This sequence change replaces serine, which is neutral and polar, with proline, which is neutral and non-polar, at codon 558 of the BARD1 protein (p.Ser558Pro). This variant is present in population databases (rs587782122, gnomAD 0.004%). This missense change has been observed in individual(s) with breast or ovarian cancer (PMID: 16825437). ClinVar contains an entry for this variant (Variation ID: 141935). An algorithm developed to predict the effect of missense changes on protein structure and function (PolyPhen-2) suggests that this variant is likely to be tolerated. Experimental studies have shown that this missense change does not substantially affect BARD1 function (PMID: 30925164). In summary, the available evidence is currently insufficient to determine the role of this variant in disease. Therefore, it has been classified as a Variant of Uncertain Significance.

GeneDx
Classification: Uncertain significance. Last evaluated: 2025-04-25. Review status: criteria provided, single submitter. Criteria: GeneDx Variant Classification Process June 2021. Collection method: clinical testing. Allele origin: germline. Affected: yes.
Comment: Observed in individuals with breast or ovarian cancer and also in unaffected controls (PMID: 33471991, 16825437); Published functional studies suggest no damaging effect: homology-directed repair similar to wild type (PMID: 30925164); In silico analysis supports that this missense variant does not alter protein structure/function; This variant is associated with the following publications: (PMID: 33471991, 18842000, 30925164, 16825437)

Ambry Genetics
Classification: Uncertain significance for Hereditary cancer-predisposing syndrome. Last evaluated: 2024-04-09. Review status: criteria provided, single submitter. Criteria: Ambry Variant Classification Scheme 2023. Collection method: clinical testing. Allele origin: germline.
Comment: The p.S558P variant (also known as c.1672T>C), located in coding exon 7 of the BARD1 gene, results from a T to C substitution at nucleotide position 1672. The serine at codon 558 is replaced by proline, an amino acid with similar properties. In one study, this variant was reported in four Norwegian families with breast or ovarian cancer (Karppinen SM et al. J. Med. Genet. 2006 Nov; 43(11):856-62). In a homology-directed repair (HDR) assay, this alteration showed HDR activity above the cutoff for proficiency (Adamovich AI et al. PLoS Genet. 2019 03;15(3):e1008049). This amino acid position is well conserved in available vertebrate species. In addition, this alteration is predicted to be tolerated by in silico analysis. Since supporting evidence is limited at this time, the clinical significance of this alteration remains unclear.

Color Diagnostics, LLC DBA Color Health
Classification: Uncertain significance for Hereditary cancer-predisposing syndrome. Last evaluated: 2024-02-26. Review status: criteria provided, single submitter. Criteria: ACMG Guidelines, 2015. Collection method: clinical testing. Allele origin: germline.
Comment: This missense variant replaces serine with proline at codon 558 of the BARD1 protein. Computational prediction suggests that this variant may not impact protein structure and function. A functional study has shown that this variant protein leads to homology-directed DNA repair activity comparable to the wild-type protein in a mammalian cell-based assay (PMID: 30925164). This variant has been reported in individuals affected with breast or ovarian cancer (PMID: 16825437). In a breast cancer meta-analysis, this variant was identified in 4/60462 cases and 2/53459 controls (OR=1.768, 95%CI 0.324 to 9.655, p-value=0.691; PMID: 33471991 - Leiden Open Variation Database DB-ID BARD1_000193). This variant has been identified in 6/251258 chromosomes in the general population by the Genome Aggregation Database (gnomAD). The available evidence is insufficient to determine the role of this variant in disease conclusively. Therefore, this variant is classified as a Variant of Uncertain Significance.

Sema4
Classification: Uncertain significance for Hereditary cancer-predisposing syndrome. Last evaluated: 2022-03-12. Review status: criteria provided, single submitter. Criteria: Sema4 Curation Guidelines. Collection method: curation. Allele origin: germline.
Comment: The BARD1 c.1672T>C (p.S558P) variant has been reported in heterozygosity in individuals with breast, ovarian, and uterine cancer (PMID: 16825437, 30925164, 33471991).In silico predictions of the variant's effect on protein function are inconclusive, but a homology-directed repair study demonstrated the normal function of the protein (PMID: 30925164). It was observed in 5/113650 chromosomes of the Non-Finnish European subpopulation in the large and broad cohorts of the Genome Aggregation Database (PMID: 32461654). The variant has been reported in ClinVar (Variation ID 141935). The evidence is insufficient to meet ACMG/AMP criteria for classifying the variant as benign or pathogenic. Thus, the clinical significance of this variant is currently uncertain.

Fulgent Genetics
Classification: Uncertain significance for Familial cancer of breast. Last evaluated: 2018-10-31. Review status: criteria provided, single submitter. Criteria: ACMG Guidelines, 2015. Collection method: clinical testing. Allele origin: unknown.

Literature cited by the submitters: PubMed 16825437 (cited by 4 submitters); PubMed 30925164 (cited by 4 submitters); PubMed 33471991 (cited by Sema4).